The following is an entry in ClinVar:

ClinVar aggregate classification (germline): Likely pathogenic (1 of 4 stars; one submission).

Conditions:
APOB-related disorder. Also called: APOB-related condition; APOB-related disorders.

Submission:

PreventionGenetics, part of Exact Sciences
Classification: Likely pathogenic for APOB-related condition. Last evaluated: 2025-10-08. Review status: criteria provided, single submitter. Criteria: ACMG Guidelines, 2015. Collection method: clinical testing. Allele origin: germline.
Comment: The APOB c.13134delT variant is predicted to result in a frameshift and premature protein termination (p.Gln4379Asnfs*15). To our knowledge, this variant has not been reported in the literature or in a large population database (gnomAD), indicating this variant is rare. Frameshift variants in APOB are expected to be pathogenic. This variant is interpreted as likely pathogenic.

NM_000384.3(APOB):c.13134del (p.Gln4379fs)

Gene: APOB (apolipoprotein B; minus strand). Cytogenetic location: 2p24.1.
Variant type: Deletion.
Coding change: c.13134del on transcript NM_000384.3 (MANE Select); coding-DNA position 13134, one base deleted (T; older notation c.13134delT).
Protein change: p.Gln4379fs; shifts the reading frame from glutamine 4379.
Molecular consequence: frameshift variant.
Genome position (GRCh38, 1-based): chr2:21,002,288, A deleted on the plus strand (T on the coding strand, the reverse complement: APOB is on the minus strand). VCF-style (leftmost placement, unchanged base first): chr2-21002287-GA-G. GRCh37 (hg19) VCF-style: chr2-21225159-GA-G.
Other names: short protein forms Q4379fs.
Identifiers: ClinVar variation 4994003 (VCV004994003.1).